The following is an entry in ClinVar:

ClinVar aggregate classification (germline): Uncertain significance (1 of 4 stars; one submission).

Conditions:
Brugada syndrome 8 (BRGDA8). Identifiers: Orphanet 130, MedGen C2751083, MONDO:0013148, OMIM 613123.

Submission:

Labcorp Genetics (formerly Invitae), Labcorp
Classification: Uncertain significance for Brugada syndrome 8. Last evaluated: 2025-06-04. Review status: criteria provided, single submitter. Criteria: Invitae Variant Classification Sherloc (09022015). Collection method: clinical testing. Allele origin: germline.
Comment: This sequence change affects a donor splice site in intron 6 of the HCN4 gene. It is expected to disrupt RNA splicing. Variants that disrupt the donor or acceptor splice site typically lead to a loss of protein function (PMID: 16199547), however the current clinical and genetic evidence is not sufficient to establish whether loss-of-function variants in HCN4 cause disease. This variant is not present in population databases (gnomAD no frequency). This variant has not been reported in the literature in individuals affected with HCN4-related conditions. Algorithms developed to predict the effect of sequence changes on RNA splicing suggest that this variant may disrupt the consensus splice site. In summary, the available evidence is currently insufficient to determine the role of this variant in disease. Therefore, it has been classified as a Variant of Uncertain Significance.

Literature cited by the submitters: PubMed 16199547.

NM_005477.3(HCN4):c.1978+2T>C

Gene: HCN4 (hyperpolarization activated cyclic nucleotide gated potassium channel 4; minus strand). Cytogenetic location: 15q24.1.
Variant type: single nucleotide variant.
Coding change: c.1978+2T>C on transcript NM_005477.3 (MANE Select); the canonical splice donor site of the intron after coding-DNA position 1978, T replaced by C.
Molecular consequence: splice donor variant.
Genome position (GRCh38, 1-based): chr15:73,324,953, A>G on the plus strand (T>C on the coding strand, the complement: HCN4 is on the minus strand). VCF-style: chr15-73324953-A-G. GRCh37 (hg19) VCF-style: chr15-73617294-A-G.
Identifiers: ClinVar variation 4706560 (VCV004706560.1).